The following is an entry in ClinVar:

ClinVar aggregate classification (germline): Uncertain significance (1 of 4 stars; one submission).

Conditions:
Neurodevelopmental disorder with or without hyperkinetic movements and seizures, autosomal dominant. Also called: Intellectual disability, autosomal dominant 8. Identifiers: MedGen C3280282, MONDO:0013655, OMIM 614254.

Submission:

Labcorp Genetics (formerly Invitae), Labcorp
Classification: Uncertain significance for Neurodevelopmental disorder with or without hyperkinetic movements and seizures, autosomal dominant. Last evaluated: 2019-01-03. Review status: criteria provided, single submitter. Criteria: Invitae Variant Classification Sherloc (09022015). Collection method: clinical testing. Allele origin: germline.
Comment: This variant results in a copy number gain of the genomic region encompassing the full coding sequence of the GRIN1 gene. The boundaries of this event are unknown as they extend beyond the assayed region for this gene and therefore may encompass additional genes. As the precise location of this event is unknown, it may be in tandem or it may be located elsewhere in the genome. This variant has not been reported in the literature in individuals with GRIN1-related conditions. Experimental studies are not available for this variant, and the functional significance of a copy number gain of this gene is currently unknown. In summary, the available evidence is currently insufficient to determine the role of this variant in disease. Therefore, it has been classified as a Variant of Uncertain Significance.

NC_000009.12:g.(?_137139467)_(137167862_?)dup

Gene: GRIN1 (glutamate ionotropic receptor NMDA type subunit 1; plus strand). Cytogenetic location: 9q34.3.
Variant type: Duplication.
Identifiers: ClinVar variation 830810 (VCV000830810.1).